The following is an entry in ClinVar:

NM_001130987.2(DYSF):c.1493+5G>C

Gene: DYSF (dysferlin; plus strand). Cytogenetic location: 2p13.2.
Variant type: single nucleotide variant.
Coding change: c.1493+5G>C on transcript NM_001130987.2 (MANE Select); 5 bases into the intron after coding-DNA position 1493, G replaced by C.
Molecular consequence: intron variant.
Genome position (GRCh38, 1-based): chr2:71,535,316, G>C. VCF-style: chr2-71535316-G-C. GRCh37 (hg19) VCF-style: chr2-71762446-G-C.
Other names: c.1397+5G>C (NM_003494.3, NM_001130978.2, NM_003494.4 and 2 more transcripts); c.1490+5G>C (NM_001130979.2, NM_001130981.2, NM_001130980.2); c.1493+5G>C (NM_001130982.2, NM_001130985.2); c.1400+5G>C (NM_001130983.2, NM_001130455.2, NM_001130984.2 and 1 more transcripts).
Identifiers: ClinVar variation 3666886 (VCV003666886.3).

ClinVar aggregate classification (germline): Pathogenic. Review status: criteria provided, single submitter (1 of 4 stars). 2 submissions from 2 submitters: Pathogenic (1). 1 of the submissions does not count toward it. Last evaluated 2024-10-21.

Conditions:
Neuromuscular disease caused by qualitative or quantitative defects of dysferlin. Also called: Dysferlinopathy; Qualitative or quantitative defects of dysferlin. Identifiers: Orphanet 207073, MedGen C2931687, MONDO:0016145.
Autosomal recessive limb-girdle muscular dystrophy type 2B (LGMDR2). Also called: MUSCULAR DYSTROPHY, LIMB-GIRDLE, TYPE 3; Limb-Girdle Muscular Dystrophy Type 2B (LGMD2B); Limb-girdle muscular dystrophy, type 2B; MUSCULAR DYSTROPHY, LIMB-GIRDLE, AUTOSOMAL RECESSIVE 2. Identifiers: Orphanet 268, MedGen C1850889, MONDO:0009676, OMIM 253601.

gnomAD v4.1: 3 of 1,613,980 alleles (0.00019%); highest among the groups gnomAD compares: Non-Finnish European, 0.00025%; no homozygotes.

Submissions (2):

Labcorp Genetics (formerly Invitae), Labcorp
Classification: Pathogenic for Neuromuscular disease caused by qualitative or quantitative defects of dysferlin. Last evaluated: 2024-10-21. Review status: criteria provided, single submitter. Criteria: Invitae Variant Classification Sherloc (09022015). Collection method: clinical testing. Allele origin: germline.
Comment: This sequence change falls in intron 15 of the DYSF gene. It does not directly change the encoded amino acid sequence of the DYSF protein. It affects a nucleotide within the consensus splice site. This variant is not present in population databases (gnomAD no frequency). This variant has been observed in individual(s) with limb-girdle muscular dystrophy (internal data). In at least one individual the data is consistent with being in trans (on the opposite chromosome) from a pathogenic variant. It has also been observed to segregate with disease in related individuals. Variants that disrupt the consensus splice site are a relatively common cause of aberrant splicing (PMID: 17576681, 9536098). Algorithms developed to predict the effect of sequence changes on RNA splicing suggest that this variant may disrupt the consensus splice site. For these reasons, this variant has been classified as Pathogenic.

Natera, Inc.
Classification: Uncertain significance for Limb-girdle muscular dystrophy type 2B. Last evaluated: 2025-02-19. Review status: no assertion criteria provided. Collection method: clinical testing. Allele origin: germline. Not counted in ClinVar's aggregate classification.

Literature cited by the submitters: PubMed 17576681 (cited by Labcorp Genetics (formerly Invitae), Labcorp); PubMed 9536098 (cited by Labcorp Genetics (formerly Invitae), Labcorp).